The following is an entry in ClinVar:

ClinVar aggregate classification (germline): Uncertain significance. Review status: criteria provided, multiple submitters, no conflicts (2 of 4 stars). 3 submissions from 3 submitters: Uncertain significance (3). Last evaluated 2024-04-24.

Conditions:
Vitamin D-dependent rickets, type 1A. Also called: VITAMIN D HYDROXYLATION-DEFICIENT RICKETS, TYPE 1A; PDDR IA; PSEUDOVITAMIN D-DEFICIENCY RICKETS, TYPE IA. Identifiers: MedGen CN283242, MONDO:0020723, OMIM 264700.

Allele frequency attached by ClinVar (database versions not stated): ExAC 0.00010; TOPMed 0.00002.

Submissions (3):

Fulgent Genetics
Classification: Uncertain significance for Vitamin D-dependent rickets, type 1A. Last evaluated: 2024-04-24. Review status: criteria provided, single submitter. Criteria: ACMG Guidelines, 2015. Collection method: clinical testing. Allele origin: germline.

Labcorp Genetics (formerly Invitae), Labcorp
Classification: Uncertain significance. Last evaluated: 2022-01-12. Review status: criteria provided, single submitter. Criteria: Invitae Variant Classification Sherloc (09022015). Collection method: clinical testing. Allele origin: germline.
Comment: This sequence change replaces histidine, which is basic and polar, with aspartic acid, which is acidic and polar, at codon 116 of the CYP27B1 protein (p.His116Asp). This variant is present in population databases (rs758218175, gnomAD 0.01%). This variant has not been reported in the literature in individuals affected with CYP27B1-related conditions. Advanced modeling of protein sequence and biophysical properties (such as structural, functional, and spatial information, amino acid conservation, physicochemical variation, residue mobility, and thermodynamic stability) performed at Invitae indicates that this missense variant is expected to disrupt CYP27B1 protein function. In summary, the available evidence is currently insufficient to determine the role of this variant in disease. Therefore, it has been classified as a Variant of Uncertain Significance.

Breakthrough Genomics
Classification: Uncertain significance. Review status: criteria provided, single submitter. Criteria: ACMG Guidelines, 2015. Collection method: not provided. Allele origin: germline. Inheritance: Autosomal recessive inheritance. Affected: yes.

NM_000785.4(CYP27B1):c.346C>G (p.His116Asp)

Gene: CYP27B1 (cytochrome P450 family 27 subfamily B member 1; minus strand). Cytogenetic location: 12q14.1.
Variant type: single nucleotide variant.
Coding change: c.346C>G on transcript NM_000785.4 (MANE Select); coding-DNA position 346, C replaced by G.
Protein change: p.His116Asp; replaces histidine 116 with aspartic acid.
Molecular consequence: missense variant.
Genome position (GRCh38, 1-based): chr12:57,766,047, G>C on the plus strand (C>G on the coding strand, the complement: CYP27B1 is on the minus strand). VCF-style: chr12-57766047-G-C. GRCh37 (hg19) VCF-style: chr12-58159830-G-C.
Other names: short protein forms H116D.
Identifiers: ClinVar variation 2191011 (VCV002191011.3), dbSNP rs758218175, ClinGen allele CA6658492.
Genomic context (GRCh38, chr12:57,766,047, plus strand): 5'-TGGGGGCAGAGAAGACTCACGCAGTGAGCAGTCCGCAAGCCCGCTGGCGGCAGCGGCGGT[G>C]CTCCGTCCAGGGCGAGAAGCTGCAGCGCTCGGGCCGGGGTCCCTCCTGTCGCAGCAGCTC-3'
Protein context (NP_000776.1, residues 106-126): ERCSFSPWTE[His116Asp]RRCRQRACGL